The following is an entry in ClinVar:

NM_000400.4(ERCC2):c.1148T>A (p.Leu383Gln)

Gene: ERCC2 (ERCC excision repair 2, TFIIH core complex helicase subunit; minus strand). Cytogenetic location: 19q13.32.
Variant type: single nucleotide variant.
Coding change: c.1148T>A on transcript NM_000400.4 (MANE Select); coding-DNA position 1148, T replaced by A.
Protein change: p.Leu383Gln; replaces leucine 383 with glutamine.
Molecular consequence: missense variant.
Genome position (GRCh38, 1-based): chr19:45,361,613, A>T on the plus strand (T>A on the coding strand, the complement: ERCC2 is on the minus strand). VCF-style: chr19-45361613-A-T. GRCh37 (hg19) VCF-style: chr19-45864871-A-T.
Other names: c.1076T>A, p.Leu359Gln (NM_001130867.2); short protein forms L383Q, L359Q.
Identifiers: ClinVar variation 1733101 (VCV001733101.2), dbSNP rs2514023486, ClinGen allele CA406370088.

ClinVar aggregate classification (germline): Uncertain significance (1 of 4 stars; one submission).

Conditions:
Inborn genetic diseases. Identifiers: MedGen C0950123, MeSH D030342.

Submission:

Ambry Genetics
Classification: Uncertain significance for Inborn genetic diseases. Last evaluated: 2021-12-01. Review status: criteria provided, single submitter. Criteria: Ambry Variant Classification Scheme 2023. Collection method: clinical testing. Allele origin: germline.
Comment: The p.L383Q variant (also known as c.1148T>A), located in coding exon 12 of the ERCC2 gene, results from a T to A substitution at nucleotide position 1148. The leucine at codon 383 is replaced by glutamine, an amino acid with dissimilar properties. This amino acid position is conserved. In addition, this alteration is predicted to be deleterious by in silico analysis. Since supporting evidence is limited at this time, the clinical significance of this alteration remains unclear.